The following is an entry in ClinVar:

ClinVar aggregate classification (germline): Benign (1 of 4 stars; one submission).

Submission:

CeGaT Center for Human Genetics Tuebingen
Classification: Benign. Last evaluated: 2026-09-01. Review status: criteria provided, single submitter. Criteria: CeGaT Center For Human Genetics Tuebingen Variant Classification Criteria Version 2. Collection method: clinical testing. Allele origin: germline. Affected: yes. Observed: 4 variant alleles.
Comment: PCSK9: BS1, BS2

NM_174936.4(PCSK9):c.*448dup

Gene: PCSK9 (proprotein convertase subtilisin/kexin type 9; plus strand). Cytogenetic location: 1p32.3.
Variant type: Duplication.
Coding change: c.*448dup on transcript NM_174936.4 (MANE Select); 448 bases downstream of the stop codon, one base duplicated (G; older notation c.*448dupG).
Molecular consequence: 3 prime UTR variant.
Genome position (GRCh38, 1-based): chr1:55,064,032, G duplicated; the last of 6 consecutive G bases (chr1:55,064,027-55,064,032); duplicating any one gives the same sequence. VCF-style (leftmost placement, unchanged base first): chr1-55064026-T-TG. GRCh37 (hg19) VCF-style: chr1-55529699-T-TG.
Other names: c.*448dup (NM_001407240.1, NM_001407241.1, NM_001407242.1 and 5 more transcripts).
Identifiers: ClinVar variation 297726 (VCV000297726.12), dbSNP rs72646533, ClinGen allele CA10611424.
Genomic context (GRCh38, chr1:55,064,026, plus strand): 5'-GGCAGGATTCTTCCCATGGATAGGGGAGGGGGCGGTAGGGGCTGCAGGGACAAACATCGT[T>TG]GGGGGGTGAGTGTGAAAGGTGCTGATGGCCCTCATCTCCAGCTAACTGTGGAGAAGCCCC-3'